The following is an entry in ClinVar:

ClinVar aggregate classification (germline): Pathogenic. Review status: criteria provided, single submitter (1 of 4 stars). 2 submissions from 2 submitters: Pathogenic (1). 1 of the submissions does not count toward it. Last evaluated 2025-02-07.

Conditions:
Oocyte maturation defect 9. Also called: OOCYTE/ZYGOTE/EMBRYO MATURATION ARREST 9. Identifiers: MedGen C5436599, MONDO:0033565, OMIM 619011.

Allele frequency attached by ClinVar (database versions not stated): gnomAD exomes 0.00001; ExAC 0.00002.
gnomAD v4.1: 16 of 1,613,996 alleles (0.00099%); highest among the groups gnomAD compares: Non-Finnish European, 0.0012%; no homozygotes.

Submissions (2):

Institute of Human Genetics, FAU Erlangen, Friedrich-Alexander-Universität Erlangen-Nürnberg
Classification: Pathogenic for Oocyte maturation defect 9. Last evaluated: 2025-02-07. Review status: criteria provided, single submitter. Criteria: Hauer et al. (Genet Med. 2018). Collection method: clinical testing. Allele origin: germline. Inheritance: Unknown mechanism. Affected: yes. Observed: 1 variant allele.
Comment: This variant has been identified by standard clinical testing. Selected ACMG criteria: Pathogenic (III):PP5;PP3;PP2;PM2;PM1;PS3

OMIM
Classification: Pathogenic for OOCYTE/ZYGOTE/EMBRYO MATURATION ARREST 9. Last evaluated: 2023-04-10. Review status: no assertion criteria provided. Collection method: literature only. Allele origin: germline. Not counted in ClinVar's aggregate classification.

Literature cited by the submitters: PubMed 32473092 (cited by OMIM).

NM_004237.4(TRIP13):c.518G>A (p.Arg173Gln)

Gene: TRIP13 (thyroid hormone receptor interactor 13; plus strand). Cytogenetic location: 5p15.33.
Variant type: single nucleotide variant.
Coding change: c.518G>A on transcript NM_004237.4 (MANE Select); coding-DNA position 518, G replaced by A.
Protein change: p.Arg173Gln; replaces arginine 173 with glutamine.
Molecular consequence: missense variant.
Genome position (GRCh38, 1-based): chr5:901,414, G>A. VCF-style: chr5-901414-G-A. GRCh37 (hg19) VCF-style: chr5-901529-G-A.
Other names: c.518G>A, p.Arg173Gln (NM_001166260.2); c.518G>A (XM_011514163.2); short protein forms R173Q.
Identifiers: ClinVar variation 977642 (VCV000977642.3), dbSNP rs759712974, ClinGen allele CA3179878.